The following is an entry in ClinVar:

ClinVar aggregate classification (germline): Uncertain significance (1 of 4 stars; one submission).

Conditions:
Cardiovascular phenotype. Identifiers: MedGen CN230736.

Allele frequency attached by ClinVar (database versions not stated): gnomAD 0.00001; TOPMed 0.00001.
gnomAD v4.1: 2 of 1,614,016 alleles (0.00012%); highest among the groups gnomAD compares: African/African-American, 0.0027%; no homozygotes.

Submission:

Ambry Genetics
Classification: Uncertain significance for Cardiovascular phenotype. Last evaluated: 2023-10-15. Review status: criteria provided, single submitter. Criteria: Ambry Variant Classification Scheme 2023. Collection method: clinical testing. Allele origin: germline.
Comment: The p.P1517A variant (also known as c.4549C>G), located in coding exon 7 of the ALPK3 gene, results from a C to G substitution at nucleotide position 4549. The proline at codon 1517 is replaced by alanine, an amino acid with highly similar properties. This amino acid position is conserved. In addition, this alteration is predicted to be tolerated by in silico analysis. Since supporting evidence is limited at this time, the clinical significance of this alteration remains unclear.

NM_020778.5(ALPK3):c.3943C>G (p.Pro1315Ala)

Gene: ALPK3 (alpha kinase 3; plus strand). Cytogenetic location: 15q25.3.
Variant type: single nucleotide variant.
Coding change: c.3943C>G on transcript NM_020778.5 (MANE Select); coding-DNA position 3943, C replaced by G.
Protein change: p.Pro1315Ala; replaces proline 1315 with alanine.
Molecular consequence: missense variant.
Genome position (GRCh38, 1-based): chr15:84,859,368, C>G. VCF-style: chr15-84859368-C-G. GRCh37 (hg19) VCF-style: chr15-85402599-C-G.
Other names: short protein forms P1315A.
Identifiers: ClinVar variation 3227482 (VCV003227482.1), dbSNP rs1273481685, ClinGen allele CA393361691.
Genomic context (GRCh38, chr15:84,859,368, plus strand): 5'-TGGTGCCAGTTTTTCAACATTCTTAGTGACTCAGTCTTGACATGGGCCAAGGATCAGCGC[C>G]CAGTGGGCGAGGTGGGCAGGAGGTAAGCCAACGACACCACTGCCACCTGACCTGGCTCCC-3'
Protein context (NP_065829.4, residues 1305-1325): SVLTWAKDQR[Pro1315Ala]VGEVGRSAGD